The following is an entry in ClinVar:

NM_000321.3(RB1):c.1306C>T (p.Gln436Ter)

Gene: RB1 (RB transcriptional corepressor 1; plus strand). Cytogenetic location: 13q14.2.
Variant type: single nucleotide variant.
Coding change: c.1306C>T on transcript NM_000321.3 (MANE Select); coding-DNA position 1306, C replaced by T.
Protein change: p.Gln436Ter; replaces glutamine 436 with a stop codon.
Molecular consequence: nonsense.
Genome position (GRCh38, 1-based): chr13:48,377,008, C>T. VCF-style: chr13-48377008-C-T. GRCh37 (hg19) VCF-style: chr13-48951144-C-T.
Other names: c.1306C>T, p.Gln436Ter (NM_001407165.1, NM_001407166.1); short protein forms Q436*.
Identifiers: ClinVar variation 3236968 (VCV003236968.2), dbSNP rs4151534.

ClinVar aggregate classification (germline): Pathogenic. Review status: criteria provided, multiple submitters, no conflicts (2 of 4 stars). 2 submissions from 2 submitters: Pathogenic (2). Last evaluated 2026-01-15.

Conditions:
Retinoblastoma (RB1). Also called: RETINOBLASTOMA, SOMATIC. Identifiers: Orphanet 790, MedGen C0035335, MeSH D012175, MONDO:0008380, OMIM 180200, HP:0009919. Disease mechanism: loss of function. Inheritance: Both sporadic and heritable forms are tested..

Submissions (2):

Labcorp Genetics (formerly Invitae), Labcorp
Classification: Pathogenic for Retinoblastoma. Last evaluated: 2026-01-15. Review status: criteria provided, single submitter. Criteria: Invitae Variant Classification Sherloc (09022015). Collection method: clinical testing. Allele origin: germline.
Comment: This sequence change creates a premature translational stop signal (p.Gln436*) in the RB1 gene. It is expected to result in an absent or disrupted protein product. Loss-of-function variants in RB1 are known to be pathogenic (PMID: 17096365). This variant is not present in population databases (gnomAD no frequency). This premature translational stop signal has been observed in individual(s) with retinoblastoma (PMID: 19390654, 29568217, 34190019). ClinVar contains an entry for this variant (Variation ID: 3236968). Algorithms developed to predict the effect of sequence changes on RNA splicing suggest that this variant may disrupt the consensus splice site. For these reasons, this variant has been classified as Pathogenic.

Genetic Diagnostic Laboratory, University of Pennsylvania School of Medicine
Classification: Pathogenic for Retinoblastoma. Last evaluated: 2024-05-20. Review status: criteria provided, single submitter. Criteria: ACMG Guidelines, 2015. Collection method: clinical testing. Allele origin: germline. Affected: yes. Observed: 1 variant allele.
Comment: Case and Pedigree Information: BILATERAL CASES:1, UNILATERAL CASES:0, TOTAL CASES:1, PEDIGREES:1. ACMG Codes Applied:PVS1, PM2

Literature cited by the submitters: PubMed 17096365 (cited by Labcorp Genetics (formerly Invitae), Labcorp); PubMed 19390654 (cited by Labcorp Genetics (formerly Invitae), Labcorp); PubMed 29568217 (cited by Labcorp Genetics (formerly Invitae), Labcorp); PubMed 34190019 (cited by Labcorp Genetics (formerly Invitae), Labcorp).